The following is an entry in ClinVar:

NM_004525.3(LRP2):c.13601A>C (p.Lys4534Thr)

Gene: LRP2 (LDL receptor related protein 2; minus strand). Cytogenetic location: 2q31.1.
Variant type: single nucleotide variant.
Coding change: c.13601A>C on transcript NM_004525.3 (MANE Select); coding-DNA position 13601, A replaced by C.
Protein change: p.Lys4534Thr; replaces lysine 4534 with threonine.
Molecular consequence: missense variant.
Genome position (GRCh38, 1-based): chr2:169,137,411, T>G on the plus strand (A>C on the coding strand, the complement: LRP2 is on the minus strand). VCF-style: chr2-169137411-T-G. GRCh37 (hg19) VCF-style: chr2-169993921-T-G.
Other names: c.13601A>C (NM_004525.2); short protein forms K4534T.
Identifiers: ClinVar variation 1509477 (VCV001509477.7), dbSNP rs757334722, ClinGen allele CA1952484.

ClinVar aggregate classification (germline): Uncertain significance. Review status: criteria provided, multiple submitters, no conflicts (2 of 4 stars). 4 submissions from 4 submitters: Uncertain significance (3). 1 of the submissions does not count toward it. Last evaluated 2024-05-29.

Conditions:
Donnai-Barrow syndrome. Also called: DBS/FOAR SYNDROME; FACIOOCULOACOUSTICORENAL SYNDROME. Identifiers: Orphanet 2143, MedGen C1857277, MONDO:0009104, OMIM 222448.
LRP2-related disorder. Also called: LRP2-related condition.

Allele frequency attached by ClinVar (database versions not stated): TOPMed 0.00001.
gnomAD v4.1: 23 of 1,613,606 alleles (0.0014%); highest among the groups gnomAD compares: Non-Finnish European, 0.0019%; no homozygotes.

Submissions (4):

GeneDx
Classification: Uncertain significance. Last evaluated: 2024-05-29. Review status: criteria provided, single submitter. Criteria: GeneDx Variant Classification Process June 2021. Collection method: clinical testing. Allele origin: germline. Affected: yes.
Comment: Not observed at significant frequency in large population cohorts (gnomAD); In silico analysis indicates that this missense variant does not alter protein structure/function; Has not been previously published as pathogenic or benign to our knowledge

Labcorp Genetics (formerly Invitae), Labcorp
Classification: Uncertain significance. Last evaluated: 2022-08-15. Review status: criteria provided, single submitter. Criteria: Invitae Variant Classification Sherloc (09022015). Collection method: clinical testing. Allele origin: germline.
Comment: This sequence change replaces lysine, which is basic and polar, with threonine, which is neutral and polar, at codon 4534 of the LRP2 protein (p.Lys4534Thr). This variant is present in population databases (rs757334722, gnomAD 0.002%). This variant has not been reported in the literature in individuals affected with LRP2-related conditions. ClinVar contains an entry for this variant (Variation ID: 1509477). Advanced modeling of protein sequence and biophysical properties (such as structural, functional, and spatial information, amino acid conservation, physicochemical variation, residue mobility, and thermodynamic stability) performed at Invitae indicates that this missense variant is not expected to disrupt LRP2 protein function. In summary, the available evidence is currently insufficient to determine the role of this variant in disease. Therefore, it has been classified as a Variant of Uncertain Significance.

Fulgent Genetics
Classification: Uncertain significance for Donnai-Barrow syndrome. Last evaluated: 2021-11-04. Review status: criteria provided, single submitter. Criteria: ACMG Guidelines, 2015. Collection method: clinical testing. Allele origin: unknown.

PreventionGenetics, part of Exact Sciences
Classification: Uncertain significance for LRP2-related condition. Last evaluated: 2024-01-11. Review status: no assertion criteria provided. Collection method: clinical testing. Allele origin: germline. Not counted in ClinVar's aggregate classification.
Comment: The LRP2 c.13601A>C variant is predicted to result in the amino acid substitution p.Lys4534Thr. To our knowledge, this variant has not been reported in the literature. This variant is reported in 0.0018% of alleles in individuals of European (Non-Finnish) descent in gnomAD. At this time, the clinical significance of this variant is uncertain due to the absence of conclusive functional and genetic evidence.